The following is an entry in ClinVar:

NM_001035.3(RYR2):c.12266A>C (p.Glu4089Ala)

Gene: RYR2 (ryanodine receptor 2; plus strand). Cytogenetic location: 1q43.
Variant type: single nucleotide variant.
Coding change: c.12266A>C on transcript NM_001035.3 (MANE Select); coding-DNA position 12266, A replaced by C.
Protein change: p.Glu4089Ala; replaces glutamic acid 4089 with alanine.
Molecular consequence: missense variant.
Genome position (GRCh38, 1-based): chr1:237,783,978, A>C. VCF-style: chr1-237783978-A-C. GRCh37 (hg19) VCF-style: chr1-237947278-A-C.
Other names: short protein forms E4089A.
Identifiers: ClinVar variation 2774391 (VCV002774391.3), dbSNP rs2527779690, ClinGen allele CA345412844.
Genomic context (GRCh38, chr1:237,783,978, plus strand): 5'-GTGCGGAGACGGATGAGAATGAAACCCTCGACTACGAAGAGTTCGTCAAACGCTTCCACG[A>C]ACCTGCGAAGGACATCGGCTTCAACGTCGCCGTCCTTCTGACAAACCTCTCTGAGCACAT-3'
Protein context (NP_001026.2, residues 4079-4099): DYEEFVKRFH[Glu4089Ala]PAKDIGFNVA

ClinVar aggregate classification (germline): Uncertain significance. Review status: criteria provided, multiple submitters, no conflicts (2 of 4 stars). 2 submissions from 2 submitters: Uncertain significance (2). Last evaluated 2024-03-07.

Conditions:
Cardiomyopathy (CMYO). Also called: Cardiomyopathies. Identifiers: Orphanet 167848, MedGen C0878544, MONDO:0004994, HP:0001638. Inheritance: Various modes of inheritance.
Catecholaminergic polymorphic ventricular tachycardia (CVPT). Also called: Catecholamine-induced polymorphic ventricular tachycardia. Identifiers: Orphanet 3286, MedGen C5574922, MONDO:0017990.

Submissions (2):

Color Diagnostics, LLC DBA Color Health
Classification: Uncertain significance for Cardiomyopathy. Last evaluated: 2024-03-07. Review status: criteria provided, single submitter. Criteria: ACMG Guidelines, 2015. Collection method: clinical testing. Allele origin: germline.
Comment: This missense variant replaces glutamic acid with alanine at codon 4089 of the RYR2 protein. Computational prediction suggests that this variant may have deleterious impact on protein structure and function (internally defined REVEL score threshold >= 0.7, PMID: 27666373). To our knowledge, functional studies have not been reported for this variant. This variant has not been reported in individuals affected with RYR2-related disorders in the literature. This variant has not been identified in the general population by the Genome Aggregation Database (gnomAD). The available evidence is insufficient to determine the role of this variant in disease conclusively. Therefore, this variant is classified as a Variant of Uncertain Significance.

All of Us Research Program, National Institutes of Health
Classification: Uncertain significance for Catecholaminergic polymorphic ventricular tachycardia. Last evaluated: 2023-06-08. Review status: criteria provided, single submitter. Criteria: ACMG Guidelines, 2015. Collection method: clinical testing. Allele origin: germline. Inheritance: Autosomal dominant inheritance. Observed: 1 variant allele, 1 heterozygote.
Comment: This missense variant replaces glutamic acid with alanine at codon 4089 of the RYR2 protein. Computational prediction suggests that this variant may have deleterious impact on protein structure and function (internally defined REVEL score threshold >= 0.7, PMID: 27666373). To our knowledge, functional studies have not been reported for this variant. This variant has not been reported in individuals affected with RYR2-related disorders in the literature. This variant has not been identified in the general population by the Genome Aggregation Database (gnomAD). The available evidence is insufficient to determine the role of this variant in disease conclusively. Therefore, this variant is classified as a Variant of Uncertain Significance.

This study involves interpretation of variants in research participants for the purpose of population health screening. Participant phenotype was not available at the time of variant classification. Additional details can be found in publication PMID: 35346344, PMCID: PMC8962531